The following is an entry in ClinVar:

ClinVar aggregate classification (germline): Uncertain significance. Review status: criteria provided, multiple submitters, no conflicts (2 of 4 stars). 2 submissions from 2 submitters: Uncertain significance (2). Last evaluated 2021-08-31.

Allele frequency attached by ClinVar (database versions not stated): ExAC 0.00002; gnomAD exomes 0.00002 and 0.00004; TOPMed 0.00002.
gnomAD v4.1: 55 of 1,612,368 alleles (0.0034%); highest among the groups gnomAD compares: East Asian, 0.0089%; 1 homozygote.

Submissions (2):

Labcorp Genetics (formerly Invitae), Labcorp
Classification: Uncertain significance. Last evaluated: 2021-08-31. Review status: criteria provided, single submitter. Criteria: Invitae Variant Classification Sherloc (09022015). Collection method: clinical testing. Allele origin: germline.
Comment: This sequence change replaces methionine with threonine at codon 280 of the ABCA4 protein (p.Met280Thr). The methionine residue is weakly conserved and there is a moderate physicochemical difference between methionine and threonine. This variant is present in population databases (rs768480500, ExAC 0.003%). This missense change has been observed in individual(s) with clinical features of Stargardt disease (PMID: 20163366). Advanced modeling of protein sequence and biophysical properties (such as structural, functional, and spatial information, amino acid conservation, physicochemical variation, residue mobility, and thermodynamic stability) performed at Invitae indicates that this missense variant is not expected to disrupt ABCA4 protein function. In summary, the available evidence is currently insufficient to determine the role of this variant in disease. Therefore, it has been classified as a Variant of Uncertain Significance.

Blueprint Genetics
Classification: Uncertain significance. Last evaluated: 2021-01-19. Review status: criteria provided, single submitter. Criteria: ACMG Guidelines, 2015. Collection method: clinical testing. Allele origin: germline.

Literature cited by the submitters: PubMed 20163366 (cited by Labcorp Genetics (formerly Invitae), Labcorp).

NM_000350.3(ABCA4):c.839T>C (p.Met280Thr)

Gene: ABCA4 (ATP binding cassette subfamily A member 4; minus strand). Cytogenetic location: 1p22.1.
Variant type: single nucleotide variant.
Coding change: c.839T>C on transcript NM_000350.3 (MANE Select); coding-DNA position 839, T replaced by C.
Protein change: p.Met280Thr; replaces methionine 280 with threonine.
Molecular consequence: missense variant.
Genome position (GRCh38, 1-based): chr1:94,083,371, A>G on the plus strand (T>C on the coding strand, the complement: ABCA4 is on the minus strand). VCF-style: chr1-94083371-A-G. GRCh37 (hg19) VCF-style: chr1-94548927-A-G.
Other names: c.839T>C, p.Met280Thr (NM_001425324.1); short protein forms M280T.
Identifiers: ClinVar variation 1349490 (VCV001349490.6), dbSNP rs768480500, ClinGen allele CA958710.